The following is an entry in ClinVar:

NM_000223.4(KRT12):c.164dup (p.Gly56fs)

Gene: KRT12 (keratin 12; minus strand). Cytogenetic location: 17q21.2.
Variant type: Duplication.
Coding change: c.164dup on transcript NM_000223.4 (MANE Select); coding-DNA position 164, one base duplicated (G; older notation c.164dupG).
Protein change: p.Gly56fs; shifts the reading frame from glycine 56.
Molecular consequence: frameshift variant.
Genome position (GRCh38, 1-based): chr17:40,867,023, C duplicated on the plus strand (G on the coding strand, the reverse complement: KRT12 is on the minus strand); the first of 5 consecutive C bases (chr17:40,867,023-40,867,027); duplicating any one gives the same sequence. VCF-style (leftmost placement, unchanged base first): chr17-40867022-T-TC. GRCh37 (hg19) VCF-style: chr17-39023274-T-TC.
Other names: short protein forms G56fs.
Identifiers: ClinVar variation 1701321 (VCV001701321.31), dbSNP rs2143270886, ClinGen allele CA2580093789.

ClinVar aggregate classification (germline): Uncertain significance (1 of 4 stars; one submission).

Submission:

CeGaT Center for Human Genetics Tuebingen
Classification: Uncertain significance. Last evaluated: 2022-07-01. Review status: criteria provided, single submitter. Criteria: CeGaT Center For Human Genetics Tuebingen Variant Classification Criteria Version 2. Collection method: clinical testing. Allele origin: germline. Affected: yes. Observed: 1 variant allele.
Comment: KRT12: PM2